The following is an entry in ClinVar:

ClinVar aggregate classification (germline): Uncertain significance (1 of 4 stars; one submission).

gnomAD v4.1: 2 of 1,612,018 alleles (0.00012%); highest among the groups gnomAD compares: Non-Finnish European, 0.00017%; no homozygotes.

Submission:

Ambry Genetics
Classification: Uncertain significance. Last evaluated: 2025-04-18. Review status: criteria provided, single submitter. Criteria: Ambry Variant Classification Scheme 2023. Collection method: clinical testing. Allele origin: germline.
Comment: The p.T1230M variant (also known as c.3689C>T), located in coding exon 15 of the WNK2 gene, results from a C to T substitution at nucleotide position 3689. The threonine at codon 1230 is replaced by methionine, an amino acid with similar properties. This amino acid position is conserved. In addition, the in silico prediction for this alteration is inconclusive. Based on the available evidence, the clinical significance of this variant remains unclear.

NM_006648.4(WNK2):c.3689C>T (p.Thr1230Met)

Gene: WNK2 (WNK lysine deficient protein kinase 2; plus strand). Cytogenetic location: 9q22.31.
Variant type: single nucleotide variant.
Coding change: c.3689C>T on transcript NM_006648.4 (MANE Select); coding-DNA position 3689, C replaced by T.
Protein change: p.Thr1230Met; replaces threonine 1230 with methionine.
Molecular consequence: missense variant.
Genome position (GRCh38, 1-based): chr9:93,264,026, C>T. VCF-style: chr9-93264026-C-T. GRCh37 (hg19) VCF-style: chr9-96026308-C-T.
Other names: c.3689C>T, p.Thr1230Met (NM_001282394.3); short protein forms T1230M.
Identifiers: ClinVar variation 3981913 (VCV003981913.1).